The following is an entry in ClinVar:

ClinVar aggregate classification (germline): Uncertain significance (1 of 4 stars; one submission).

Conditions:
Pyruvate carboxylase deficiency. Also called: LEIGH NECROTIZING ENCEPHALOPATHY DUE TO PYRUVATE CARBOXYLASE DEFICIENCY; LEIGH SYNDROME DUE TO PYRUVATE CARBOXYLASE DEFICIENCY; PC DEFICIENCY; Pyruvate Carboxylase Deficiency Disease; ATAXIA WITH LACTIC ACIDOSIS II. Identifiers: Orphanet 3008, MedGen C0034341, MONDO:0009949, OMIM 266150.

Allele frequency attached by ClinVar (database versions not stated): gnomAD exomes below 0.00001; TOPMed 0.00002.
gnomAD v4.1: 1 of 1,613,704 alleles (0.000062%); highest among the groups gnomAD compares: Admixed American, 0.0017%; no homozygotes.

Submission:

Labcorp Genetics (formerly Invitae), Labcorp
Classification: Uncertain significance for Pyruvate carboxylase deficiency. Last evaluated: 2022-08-12. Review status: criteria provided, single submitter. Criteria: Invitae Variant Classification Sherloc (09022015). Collection method: clinical testing. Allele origin: germline.
Comment: This sequence change replaces glutamine, which is neutral and polar, with lysine, which is basic and polar, at codon 919 of the PC protein (p.Gln919Lys). This variant is present in population databases (no rsID available, gnomAD 0.003%). This variant has not been reported in the literature in individuals affected with PC-related conditions. Algorithms developed to predict the effect of missense changes on protein structure and function are either unavailable or do not agree on the potential impact of this missense change (SIFT: "Deleterious"; PolyPhen-2: "Probably Damaging"; Align-GVGD: "Class C0"). In summary, the available evidence is currently insufficient to determine the role of this variant in disease. Therefore, it has been classified as a Variant of Uncertain Significance.

NM_001040716.2(PC):c.2755C>A (p.Gln919Lys)

Gene: PC (pyruvate carboxylase; minus strand). Cytogenetic location: 11q13.2.
Variant type: single nucleotide variant.
Coding change: c.2755C>A on transcript NM_001040716.2 (MANE Select); coding-DNA position 2755, C replaced by A.
Protein change: p.Gln919Lys; replaces glutamine 919 with lysine.
Molecular consequence: missense variant.
Genome position (GRCh38, 1-based): chr11:66,850,080, G>T on the plus strand (C>A on the coding strand, the complement: PC is on the minus strand). VCF-style: chr11-66850080-G-T. GRCh37 (hg19) VCF-style: chr11-66617551-G-T.
Other names: c.2755C>A, p.Gln919Lys (NM_000920.4, NM_022172.3); short protein forms Q919K.
Identifiers: ClinVar variation 2180257 (VCV002180257.1), dbSNP rs1196710763, ClinGen allele CA381492114.
Genomic context (GRCh38, chr11:66,850,080, plus strand): 5'-ACAGCTCTTCCGCCTGAGCTTCGGCCTCTGCCCGGCTCAATCCATTCTGCACCATAAACT[G>T]GGCCAGGTCCCCCACGATCTTGGAGGAGGGCGTCACCTGAGGAGAAGGCCCTGGAGGTTA-3'
Protein context (NP_001035806.1, residues 909-929): PSSKIVGDLA[Gln919Lys]FMVQNGLSRA